The following is an entry in ClinVar:

NM_001371986.1(UNC80):c.4679G>A (p.Arg1560Gln)

Gene: UNC80 (unc-80 subunit of NALCN channel complex; plus strand). Cytogenetic location: 2q34.
Variant type: single nucleotide variant.
Coding change: c.4679G>A on transcript NM_001371986.1 (MANE Select); coding-DNA position 4679, G replaced by A.
Protein change: p.Arg1560Gln; replaces arginine 1560 with glutamine.
Molecular consequence: missense variant.
Genome position (GRCh38, 1-based): chr2:209,904,862, G>A. VCF-style: chr2-209904862-G-A. GRCh37 (hg19) VCF-style: chr2-210769586-G-A.
Other names: c.4481G>A, p.Arg1494Gln (NM_032504.2); c.4466G>A, p.Arg1489Gln (NM_182587.4); c.4481G>A (NM_032504.1); short protein forms R1494Q, R1560Q, R1489Q.
Identifiers: ClinVar variation 1948499 (VCV001948499.3), dbSNP rs1040352628, ClinGen allele CA65038844.

ClinVar aggregate classification (germline): Uncertain significance. Review status: criteria provided, multiple submitters, no conflicts (2 of 4 stars). 2 submissions from 2 submitters: Uncertain significance (2). Last evaluated 2026-03-14.

Allele frequency attached by ClinVar (database versions not stated): gnomAD 0.00003; TOPMed 0.00003.
gnomAD v4.1: 8 of 1,551,744 alleles (0.00052%); highest among the groups gnomAD compares: African/African-American, 0.0041%; no homozygotes.

Submissions (2):

GeneDx
Classification: Uncertain significance. Last evaluated: 2026-03-14. Review status: criteria provided, single submitter. Criteria: GeneDx Variant Classification Process June 2021. Collection method: clinical testing. Allele origin: germline.
Comment: In silico analysis supports that this missense variant has a deleterious effect on protein structure/function; Has not been previously published as pathogenic or benign to our knowledge

Labcorp Genetics (formerly Invitae), Labcorp
Classification: Uncertain significance. Last evaluated: 2022-06-19. Review status: criteria provided, single submitter. Criteria: Invitae Variant Classification Sherloc (09022015). Collection method: clinical testing. Allele origin: germline.
Comment: This sequence change replaces arginine, which is basic and polar, with glutamine, which is neutral and polar, at codon 1494 of the UNC80 protein (p.Arg1494Gln). This variant is present in population databases (no rsID available, gnomAD 0.006%). This variant has not been reported in the literature in individuals affected with UNC80-related conditions. Algorithms developed to predict the effect of missense changes on protein structure and function are either unavailable or do not agree on the potential impact of this missense change (SIFT: "Not Available"; PolyPhen-2: "Probably Damaging"; Align-GVGD: "Not Available"). In summary, the available evidence is currently insufficient to determine the role of this variant in disease. Therefore, it has been classified as a Variant of Uncertain Significance.